The following is an entry in ClinVar:

NM_001267550.2(TTN):c.44868del (p.Glu14957fs)

Gene: TTN (titin; minus strand). Cytogenetic location: 2q31.2.
Variant type: Deletion.
Coding change: c.44868del on transcript NM_001267550.2 (MANE Select); coding-DNA position 44868, one base deleted (A; older notation c.44868delA).
Protein change: p.Glu14957fs; shifts the reading frame from glutamic acid 14957.
Molecular consequence: frameshift variant.
Genome position (GRCh38, 1-based): chr2:178,622,715, T deleted on the plus strand (A on the coding strand, the reverse complement: TTN is on the minus strand); the first of 5 consecutive T bases (chr2:178,622,715-178,622,719); deleting any one gives the same sequence. VCF-style (leftmost placement, unchanged base first): chr2-178622714-CT-C. GRCh37 (hg19) VCF-style: chr2-179487441-CT-C.
Other names: c.39945del, p.Glu13316fs (NM_001256850.1); c.17673del, p.Glu5892fs (NM_003319.4); c.37164del, p.Glu12389fs (NM_133378.4); c.18048del, p.Glu6017fs (NM_133432.3); c.18249del, p.Glu6084fs (NM_133437.4); short protein forms E12389fs, E13316fs, E14957fs, E5892fs, E6017fs, E6084fs.
Identifiers: ClinVar variation 3754977 (VCV003754977.2).
Genomic context (GRCh38, chr2:178,622,714, plus strand): 5'-GTATACAGTCACAGACCTTAGCATTTTCTCGGGAAAGTTCACACTCAAATCGAGCCATTT[CT>C]TTTTCTCTAACTTGAAGGTCGGTGAGTGGTCTTAAGAATTCCACATGAGGAGCTGTAAGA-3'

ClinVar aggregate classification (germline): Likely pathogenic (1 of 4 stars; one submission).

Conditions:
Autosomal recessive limb-girdle muscular dystrophy type 2J (LGMDR10). Also called: Limb-girdle muscular dystrophy, type 2J; MUSCULAR DYSTROPHY, LIMB-GIRDLE, AUTOSOMAL RECESSIVE 10. Identifiers: Orphanet 140922, MedGen C1837342, MONDO:0012127, OMIM 608807.
Dilated cardiomyopathy 1G (CMD1G). Identifiers: Orphanet 154, MedGen C1858763, MONDO:0011400, OMIM 604145.

Submission:

Labcorp Genetics (formerly Invitae), Labcorp
Classification: Likely pathogenic for Dilated cardiomyopathy 1G; Autosomal recessive limb-girdle muscular dystrophy type 2J. Last evaluated: 2024-02-27. Review status: criteria provided, single submitter. Criteria: Invitae Variant Classification Sherloc (09022015). Collection method: clinical testing. Allele origin: germline.
Comment: This sequence change creates a premature translational stop signal (p.Glu14957Lysfs*59) in the TTN gene. While this is not anticipated to result in nonsense mediated decay, it is expected to create a truncated TTN protein. This variant is not present in population databases (gnomAD no frequency). This variant has not been reported in the literature in individuals affected with TTN-related conditions. This variant is located in the I band of TTN (PMID: 25589632). Truncating variants in this region have been reported in individuals affected with autosomal recessive centronuclear myopathy (PMID: 23975875, Invitae internal data). Truncating variants in this region have also been identified in individuals affected with autosomal dominant dilated cardiomyopathy and/or cardio-related conditions (PMID: 27869827, 32964742, Invitae internal data). In summary, the currently available evidence indicates that the variant is pathogenic, but additional data are needed to prove that conclusively. Therefore, this variant has been classified as Likely Pathogenic.

Literature cited by the submitters: PubMed 25589632; PubMed 23975875; PubMed 27869827; PubMed 32964742.